The following is an entry in ClinVar:

NM_001008537.3(NEXMIF):c.2450C>T (p.Thr817Ile)

Gene: NEXMIF (neurite extension and migration factor; minus strand). Cytogenetic location: Xq13.3.
Variant type: single nucleotide variant.
Coding change: c.2450C>T on transcript NM_001008537.3 (MANE Select); coding-DNA position 2450, C replaced by T.
Protein change: p.Thr817Ile; replaces threonine 817 with isoleucine.
Molecular consequence: missense variant.
Genome position (GRCh38, 1-based): chrX:74,742,107, G>A on the plus strand (C>T on the coding strand, the complement: NEXMIF is on the minus strand). VCF-style: chrX-74742107-G-A. GRCh37 (hg19) VCF-style: chrX-73961942-G-A.
Other names: short protein forms T817I.
Identifiers: ClinVar variation 2663034 (VCV002663034.1), dbSNP rs2080107128, ClinGen allele CA413668199.

ClinVar aggregate classification (germline): Uncertain significance (1 of 4 stars; one submission).

Allele frequency attached by ClinVar (database versions not stated): TOPMed below 0.00001.

Submission:

GeneDx
Classification: Uncertain significance. Last evaluated: 2023-05-01. Review status: criteria provided, single submitter. Criteria: GeneDx Variant Classification Process June 2021. Collection method: clinical testing. Allele origin: germline. Affected: yes.
Comment: Not observed at significant frequency in large population cohorts (gnomAD); In silico analysis supports that this missense variant has a deleterious effect on protein structure/function; Has not been previously published as pathogenic or benign to our knowledge